The following is an entry in ClinVar:

ClinVar aggregate classification (germline): Benign. Review status: reviewed by expert panel (3 of 4 stars). 17 submissions from 17 submitters: Benign (1). 16 of the submissions do not count toward it. Last evaluated 2023-08-09.

Conditions:
CDH1-related diffuse gastric and lobular breast cancer syndrome. Also called: CDH1-related diffuse gastric and lobular breast cancer. Identifiers: MedGen CN311521, MONDO:0100488.
Hereditary cancer-predisposing syndrome. Also called: Tumor predisposition; Hereditary neoplastic syndrome; Neoplastic Syndromes, Hereditary; Hereditary Cancer Syndrome. Identifiers: Orphanet 140162, MedGen C0027672, MeSH D009386, MONDO:0015356.
Ovarian cancer. Also called: OVARIAN CANCER, SOMATIC. Identifiers: Orphanet 213500, MedGen C1140680, MONDO:0008170, OMIM 167000.
Hereditary diffuse gastric adenocarcinoma (HDGC). Also called: DIFFUSE GASTRIC AND LOBULAR BREAST CANCER SYNDROME. Identifiers: Orphanet 26106, MedGen C1708349, MONDO:0007648, OMIM 137215.

Allele frequency attached by ClinVar (database versions not stated): TOPMed 0.00002; ExAC 0.00003; gnomAD exomes 0.00003.
gnomAD v4.1: 80 of 1,613,858 alleles (0.005%); highest among the groups gnomAD compares: Non-Finnish European, 0.0059%; no homozygotes.

Submissions (17):

Clingen Gastric Cancer Variant Curation Expert Panel
Classification: Benign for CDH1-related diffuse gastric and lobular breast cancer syndrome. Last evaluated: 2023-08-09. Review status: reviewed by expert panel. Criteria: ClinGen CDH1 ACMG Specifications V3.1. Collection method: curation. Allele origin: germline. Inheritance: Autosomal dominant inheritance.
Comment: The c.671G>A (p.Arg224His) missense variant has a frequency of 0. 0.00003189 (8 of 250,850) in the gnomAD v2.1.1 cohort, with a maximum non-founder allele frequency of 0.00006179 (7 of 113,278) in the African subpopulation. This variant has been observed in >50 individuals w/o DCG, SRC tumors, or LBC & whose families do not suggest HDGC (BS2; SCV000637843.5, SCV000278911.9). In summary, the clinical significance of this variant is classified as benign based the ACMG/AMP criteria applied, as specified by the CDH1 Variant Curation Expert Panel (Variant Interpretation Guidelines Version 3.1): BS2, BP2_Strong.

Labcorp Genetics (formerly Invitae), Labcorp
Classification: Benign for Hereditary diffuse gastric adenocarcinoma. Last evaluated: 2026-01-04. Review status: criteria provided, single submitter. Criteria: Invitae Variant Classification Sherloc (09022015). Collection method: clinical testing. Allele origin: germline. Not counted in ClinVar's aggregate classification.

Center for Genomic Medicine, Rigshospitalet, Copenhagen University Hospital
Classification: Benign. Last evaluated: 2025-12-29. Review status: criteria provided, single submitter. Criteria: ACMG Guidelines, 2015. Collection method: clinical testing. Allele origin: germline. Not counted in ClinVar's aggregate classification.

Color Diagnostics, LLC DBA Color Health
Classification: Benign for Hereditary cancer-predisposing syndrome. Last evaluated: 2024-09-25. Review status: criteria provided, single submitter. Criteria: ACMG Guidelines, 2015. Collection method: clinical testing. Allele origin: germline. Not counted in ClinVar's aggregate classification.

Blueprint Genetics
Classification: Likely benign. Last evaluated: 2024-05-14. Review status: criteria provided, single submitter. Criteria: ACMG Guidelines, 2015. Collection method: clinical testing. Allele origin: germline. Not counted in ClinVar's aggregate classification.

Department of Pathology and Laboratory Medicine, Sinai Health System
Classification: Likely benign for Ovarian cancer. Last evaluated: 2024-03-06. Review status: criteria provided, single submitter. Criteria: ACMG Guidelines, 2015. Collection method: clinical testing. Allele origin: germline. Affected: yes. Not counted in ClinVar's aggregate classification.

Quest Diagnostics Nichols Institute San Juan Capistrano
Classification: Likely benign. Last evaluated: 2023-12-05. Review status: criteria provided, single submitter. Criteria: Quest Diagnostics criteria. Collection method: clinical testing. Allele origin: unknown. Not counted in ClinVar's aggregate classification.

Mendelics
Classification: Benign for Hereditary diffuse gastric adenocarcinoma. Last evaluated: 2023-08-22. Review status: criteria provided, single submitter. Criteria: Mendelics Assertion Criteria 2019. Collection method: clinical testing. Allele origin: germline. Not counted in ClinVar's aggregate classification.

Myriad Genetics, Inc.
Classification: Uncertain significance for Hereditary diffuse gastric adenocarcinoma. Last evaluated: 2023-03-07. Review status: criteria provided, single submitter. Criteria: Myriad Autosomal Dominant, Autosomal Recessive and X-Linked Classification Criteria (2023). Collection method: clinical testing. Allele origin: unknown. Not counted in ClinVar's aggregate classification.
Comment: This variant is classified as a variant of uncertain significance as there is insufficient evidence to determine its impact on protein function and/or cancer risk.

European Reference Network on Genetic Tumour Risk Syndromes (ERN-GENTURIS), i3s - Instituto de Investigação e Inovação em Saúde, University of Porto
Classification: Benign for Hereditary diffuse gastric adenocarcinoma. Last evaluated: 2022-08-01. Review status: criteria provided, single submitter. Criteria: Lee et al. (Hum Mutat. 2018). Collection method: clinical testing. Allele origin: germline. Inheritance: Autosomal dominant inheritance. Affected: no. Study: ERN GENTURIS. Not counted in ClinVar's aggregate classification.
Comment: BP2_Strong; BS2 (PMID: 30311375)

GeneDx
Classification: Uncertain significance. Last evaluated: 2021-12-07. Review status: criteria provided, single submitter. Criteria: GeneDx Variant Classification Process June 2021. Collection method: clinical testing. Allele origin: germline. Affected: yes. Not counted in ClinVar's aggregate classification.
Comment: In silico analysis supports that this missense variant does not alter protein structure/function; Observed in individuals with breast, ovarian, or prostate cancer (Lu 2015, Hauke 2018, Huang 2018); This variant is associated with the following publications: (PMID: 22703879, 25583476, 26689913, 27720647, 26486520, 26517685, 28135145, 25503501, 29522266, 15235021, 22850631, 29625052)

Sema4
Classification: Likely benign for Hereditary cancer-predisposing syndrome. Last evaluated: 2021-03-29. Review status: criteria provided, single submitter. Criteria: Sema4 Curation Guidelines. Collection method: curation. Allele origin: germline. Not counted in ClinVar's aggregate classification.

St. Jude Molecular Pathology, St. Jude Children's Research Hospital
Classification: Benign for Hereditary diffuse gastric adenocarcinoma. Last evaluated: 2021-02-16. Review status: criteria provided, single submitter. Criteria: St. Jude Assertion Criteria 2020. Collection method: clinical testing. Allele origin: germline. Not counted in ClinVar's aggregate classification.

Ambry Genetics
Classification: Likely benign for Hereditary cancer-predisposing syndrome. Last evaluated: 2020-06-18. Review status: criteria provided, single submitter. Criteria: Ambry Variant Classification Scheme 2023. Collection method: clinical testing. Allele origin: germline. Not counted in ClinVar's aggregate classification.

Illumina Laboratory Services, Illumina
Classification: Likely benign for Hereditary diffuse gastric adenocarcinoma. Last evaluated: 2018-01-18. Review status: criteria provided, single submitter. Criteria: ICSL Variant Classification Criteria 13 December 2019. Collection method: clinical testing. Allele origin: germline. Not counted in ClinVar's aggregate classification.
Comment: This variant was observed as part of a predisposition screen in an ostensibly healthy population. A literature search was performed for the gene, cDNA change, and amino acid change (where applicable). Publications were found based on this search. The evidence from the literature, in combination with allele frequency data from public databases where available, was sufficient to determine this variant is unlikely to cause disease. Therefore, this variant is classified as likely benign.

Counsyl
Classification: Uncertain significance for Hereditary diffuse gastric adenocarcinoma. Last evaluated: 2017-08-09. Review status: no assertion criteria provided. Collection method: clinical testing. Allele origin: unknown. Not counted in ClinVar's aggregate classification.

Biesecker Lab/Clinical Genomics Section, National Institutes of Health
Classification: Uncertain significance. Last evaluated: 2012-07-13. Review status: no assertion criteria provided. Collection method: research. Allele origin: germline. Affected: no. Observed: 1 variant allele. Study: ClinSeq. Not counted in ClinVar's aggregate classification.
ClinVar note: Converted during submission from variant of unknown significance to Uncertain significance.

Literature cited by the submitters: PubMed 26580448 (cited by 3 submitters); PubMed 26689913 (cited by Department of Pathology and Laboratory Medicine, Sinai Health System and Ambry Genetics); PubMed 29522266 (cited by Department of Pathology and Laboratory Medicine, Sinai Health System and Quest Diagnostics Nichols Institute San Juan Capistrano); PubMed 33471991 (cited by Department of Pathology and Laboratory Medicine, Sinai Health System and Quest Diagnostics Nichols Institute San Juan Capistrano); PubMed 36436516 (cited by Quest Diagnostics Nichols Institute San Juan Capistrano and European Reference Network on Genetic Tumour Risk Syndromes (ERN-GENTURIS), i3s - Instituto de Investigação e Inovação em Saúde, University of Porto); PubMed 29625052 (cited by Quest Diagnostics Nichols Institute San Juan Capistrano); PubMed 34326862 (cited by Quest Diagnostics Nichols Institute San Juan Capistrano); PubMed 35264596 (cited by Quest Diagnostics Nichols Institute San Juan Capistrano); PubMed 35534704 (cited by Quest Diagnostics Nichols Institute San Juan Capistrano); PubMed 32175104 (cited by Quest Diagnostics Nichols Institute San Juan Capistrano); PubMed 30311375 (cited by Quest Diagnostics Nichols Institute San Juan Capistrano); PubMed 25771876 (cited by Illumina Laboratory Services, Illumina).

NM_004360.5(CDH1):c.671G>A (p.Arg224His)

Gene: CDH1 (cadherin 1; plus strand). Cytogenetic location: 16q22.1.
Variant type: single nucleotide variant.
Coding change: c.671G>A on transcript NM_004360.5 (MANE Select); coding-DNA position 671, G replaced by A.
Protein change: p.Arg224His; replaces arginine 224 with histidine.
Molecular consequence: missense variant. On other transcripts: 5 prime UTR variant (2).
Genome position (GRCh38, 1-based): chr16:68,808,832, G>A. VCF-style: chr16-68808832-G-A. GRCh37 (hg19) VCF-style: chr16-68842735-G-A.
Other names: NM_004360.5(CDH1):c.671G>A; c.671G>A, p.Arg224His (NM_001317184.2); c.-945G>A (NM_001317185.2); c.-1149G>A (NM_001317186.2); short protein forms R224H.
Identifiers: ClinVar variation 41786 (VCV000041786.41), dbSNP rs201511530, ClinGen allele CA165387.